The following is an entry in ClinVar:

NM_004364.5(CEBPA):c.868G>T (p.Glu290Ter)

Gene: CEBPA (CCAAT enhancer binding protein alpha; minus strand). Cytogenetic location: 19q13.11.
Variant type: single nucleotide variant.
Coding change: c.868G>T on transcript NM_004364.5 (MANE Select); coding-DNA position 868, G replaced by T.
Protein change: p.Glu290Ter; replaces glutamic acid 290 with a stop codon.
Molecular consequence: nonsense.
Genome position (GRCh38, 1-based): chr19:33,301,547, C>A on the plus strand (G>T on the coding strand, the complement: CEBPA is on the minus strand). VCF-style: chr19-33301547-C-A. GRCh37 (hg19) VCF-style: chr19-33792453-C-A.
Other names: c.511G>T, p.Glu171Ter (NM_001285829.2); c.973G>T, p.Glu325Ter (NM_001287424.2); c.826G>T, p.Glu276Ter (NM_001287435.2); short protein forms E171*, E276*, E290*, E325*.
Identifiers: ClinVar variation 1038584 (VCV001038584.7), dbSNP rs1967164835, ClinGen allele CA405274040.

ClinVar aggregate classification (germline): Uncertain significance (1 of 4 stars; one submission).

Conditions:
Acute myeloid leukemia (AML). Also called: Acute myeloid leukemia, adult; AML adult; Acute non-lymphocytic leukemia; Acute granulocytic leukemia; Leukemia, acute myelogenous, somatic; Leukemia, acute myeloid, somatic. Identifiers: Orphanet 519, MedGen C0023467, MeSH D015470, MONDO:0018874, OMIM 601626, HP:0004808. Disease mechanism: Constitutively activated FLT3.

Submission:

Labcorp Genetics (formerly Invitae), Labcorp
Classification: Uncertain significance for Acute myeloid leukemia. Last evaluated: 2020-09-24. Review status: criteria provided, single submitter. Criteria: Invitae Variant Classification Sherloc (09022015). Collection method: clinical testing. Allele origin: germline.
Comment: In summary, the available evidence is currently insufficient to determine the role of this variant in disease. Therefore, it has been classified as a Variant of Uncertain Significance. Experimental studies and prediction algorithms are not available or were not evaluated, and the functional significance of this variant is currently unknown. This variant has not been reported in the literature in individuals with CEBPA-related conditions. This variant is not present in population databases (ExAC no frequency). This sequence change results in a premature translational stop signal in the CEBPA gene (p.Glu290*). While this is not anticipated to result in nonsense mediated decay, it is expected to disrupt the last 69 amino acids of the CEBPA protein.